The following is an entry in ClinVar:

ClinVar aggregate classification (germline): Uncertain significance (1 of 4 stars; one submission).

Submission:

CeGaT Center for Human Genetics Tuebingen
Classification: Uncertain significance. Last evaluated: 2025-11-01. Review status: criteria provided, single submitter. Criteria: CeGaT Center For Human Genetics Tuebingen Variant Classification Criteria Version 2. Collection method: clinical testing. Allele origin: germline. Affected: yes. Observed: 2 variant alleles.
Comment: ATP7B: PM2, PM3, PP4, BP4

NM_000053.4(ATP7B):c.51+3G>C

Gene: ATP7B (ATPase copper transporting beta; minus strand). Cytogenetic location: 13q14.3.
Variant type: single nucleotide variant.
Coding change: c.51+3G>C on transcript NM_000053.4 (MANE Select); 3 bases into the intron after coding-DNA position 51, G replaced by C.
Molecular consequence: intron variant.
Genome position (GRCh38, 1-based): chr13:52,011,284, C>G on the plus strand (G>C on the coding strand, the complement: ATP7B is on the minus strand). VCF-style: chr13-52011284-C-G. GRCh37 (hg19) VCF-style: chr13-52585420-C-G.
Other names: c.51+3G>C (NM_001406541.1, NM_001406531.1, NM_001406527.1 and 30 more transcripts); c.-79+3G>C (NM_001406543.1, NM_001406539.1); c.-137+3G>C (NM_001406518.1).
Identifiers: ClinVar variation 2578706 (VCV002578706.25), dbSNP rs2140766975, ClinGen allele CA2580611920.